The following is an entry in ClinVar:

ClinVar aggregate classification (germline): Uncertain significance (1 of 4 stars; one submission).

Allele frequency attached by ClinVar (database versions not stated): gnomAD 0.00001.
gnomAD v4.1: 7 of 1,613,614 alleles (0.00043%); highest among the groups gnomAD compares: South Asian, 0.0077%; no homozygotes.

Submission:

Labcorp Genetics (formerly Invitae), Labcorp
Classification: Uncertain significance. Last evaluated: 2022-03-11. Review status: criteria provided, single submitter. Criteria: Invitae Variant Classification Sherloc (09022015). Collection method: clinical testing. Allele origin: germline.
Comment: In summary, the available evidence is currently insufficient to determine the role of this variant in disease. Therefore, it has been classified as a Variant of Uncertain Significance. Algorithms developed to predict the effect of missense changes on protein structure and function are either unavailable or do not agree on the potential impact of this missense change (SIFT: "Deleterious"; PolyPhen-2: "Probably Damaging"; Align-GVGD: "Class C15"). This variant has not been reported in the literature in individuals affected with CACNA2D4-related conditions. This variant is not present in population databases (gnomAD no frequency). This sequence change replaces leucine, which is neutral and non-polar, with proline, which is neutral and non-polar, at codon 170 of the CACNA2D4 protein (p.Leu170Pro).

NM_172364.5(CACNA2D4):c.509T>C (p.Leu170Pro)

Gene: CACNA2D4 (calcium voltage-gated channel auxiliary subunit alpha2delta 4; minus strand). Cytogenetic location: 12p13.33.
Variant type: single nucleotide variant.
Coding change: c.509T>C on transcript NM_172364.5 (MANE Select); coding-DNA position 509, T replaced by C.
Protein change: p.Leu170Pro; replaces leucine 170 with proline.
Molecular consequence: missense variant.
Genome position (GRCh38, 1-based): chr12:1,908,015, A>G on the plus strand (T>C on the coding strand, the complement: CACNA2D4 is on the minus strand). VCF-style: chr12-1908015-A-G. GRCh37 (hg19) VCF-style: chr12-2017181-A-G.
Other names: short protein forms L170P.
Identifiers: ClinVar variation 1950680 (VCV001950680.5), dbSNP rs1866708824, ClinGen allele CA383364600.